The following is an entry in ClinVar:

ClinVar aggregate classification (germline): Benign. Review status: criteria provided, single submitter (1 of 4 stars). 2 submissions from 1 submitter: Benign (2). Last evaluated 2018-01-12.

Conditions:
Charcot-Marie-Tooth disease type 2. Also called: Charcot-Marie-Tooth type 2. Identifiers: Orphanet 64746, MedGen C0270914, MONDO:0018993.
Hereditary motor and sensory neuropathy with optic atrophy. Also called: PERIPHERAL NEUROPATHY AND OPTIC ATROPHY; CHARCOT-MARIE-TOOTH DISEASE, TYPE 6. Identifiers: Orphanet 90120, MedGen C0393807, MONDO:0019551.

Allele frequency attached by ClinVar (database versions not stated): TOPMed 0.00004; gnomAD 0.00003; 1000 Genomes Project 30x 0.00390; 1000 Genomes Project 0.00419.
gnomAD v4.1: 699 of 348,984 alleles (0.2%); highest among the groups gnomAD compares: South Asian, 1.5%; 16 homozygotes.

Submissions (2):

Illumina Laboratory Services, Illumina
Classification: Benign for Neuropathy, hereditary motor and sensory, type 6A. Last evaluated: 2018-01-12. Review status: criteria provided, single submitter. Criteria: ICSL Variant Classification Criteria 13 December 2019. Collection method: clinical testing. Allele origin: germline.
Comment: This variant was observed in the ICSL laboratory as part of a predisposition screen in an ostensibly healthy population. It had not been previously curated by ICSL or reported in the Human Gene Mutation Database (HGMD: prior to June 1st, 2018), and was therefore a candidate for classification through an automated scoring system. Utilizing variant allele frequency, disease prevalence and penetrance estimates, and inheritance mode, an automated score was calculated to assess if this variant is too frequent to cause the disease. Based on the score and internal cut-off values, a variant classified as benign is not then subjected to further curation. The score for this variant resulted in a classification of benign for this disease.

Illumina Laboratory Services, Illumina
Classification: Benign for Charcot-Marie-Tooth disease, type 2. Last evaluated: 2018-01-12. Review status: criteria provided, single submitter. Criteria: ICSL Variant Classification Criteria 13 December 2019. Collection method: clinical testing. Allele origin: germline.
Comment: the same text as in the submission from Illumina Laboratory Services, Illumina above.

NM_014874.4(MFN2):c.*1562G>A

Gene: MFN2 (mitofusin 2; plus strand). Cytogenetic location: 1p36.22.
Variant type: single nucleotide variant.
Coding change: c.*1562G>A on transcript NM_014874.4 (MANE Select); 1562 bases downstream of the stop codon, G replaced by A.
Molecular consequence: 3 prime UTR variant.
Genome position (GRCh38, 1-based): chr1:12,013,127, G>A. VCF-style: chr1-12013127-G-A. GRCh37 (hg19) VCF-style: chr1-12073184-G-A.
Other names: c.*1562G>A (NM_001127660.2).
Identifiers: ClinVar variation 292408 (VCV000292408.5), dbSNP rs551566332, ClinGen allele CA10607994.